The following is an entry in ClinVar:

NM_001142800.2(EYS):c.997G>A (p.Val333Ile)

Gene: EYS (EGF-like photoreceptor maintenance factor; minus strand). Cytogenetic location: 6q12.
Variant type: single nucleotide variant.
Coding change: c.997G>A on transcript NM_001142800.2 (MANE Select); coding-DNA position 997, G replaced by A.
Protein change: p.Val333Ile; replaces valine 333 with isoleucine.
Molecular consequence: missense variant.
Genome position (GRCh38, 1-based): chr6:65,405,233, C>T on the plus strand (G>A on the coding strand, the complement: EYS is on the minus strand). VCF-style: chr6-65405233-C-T. GRCh37 (hg19) VCF-style: chr6-66115126-C-T.
Other names: c.997G>A, p.Val333Ile (NM_001142801.2, NM_001292009.2, NM_198283.2); short protein forms V333I.
Identifiers: ClinVar variation 2913194 (VCV002913194.2), dbSNP rs753099567, ClinGen allele CA3877904.

ClinVar aggregate classification (germline): Uncertain significance (1 of 4 stars; one submission).

Allele frequency attached by ClinVar (database versions not stated): gnomAD exomes 0.00001; ExAC 0.00002.
gnomAD v4.1: 9 of 1,613,250 alleles (0.00056%); highest among the groups gnomAD compares: South Asian, 0.0088%; no homozygotes.

Submission:

Labcorp Genetics (formerly Invitae), Labcorp
Classification: Uncertain significance. Last evaluated: 2026-01-05. Review status: criteria provided, single submitter. Criteria: Invitae Variant Classification Sherloc (09022015). Collection method: clinical testing. Allele origin: germline.
Comment: This sequence change replaces valine, which is neutral and non-polar, with isoleucine, which is neutral and non-polar, at codon 333 of the EYS protein (p.Val333Ile). This variant is present in population databases (rs753099567, gnomAD 0.006%). This variant has not been reported in the literature in individuals affected with EYS-related conditions. ClinVar contains an entry for this variant (Variation ID: 2913194). Invitae Evidence Modeling of protein sequence and biophysical properties (such as structural, functional, and spatial information, amino acid conservation, physicochemical variation, residue mobility, and thermodynamic stability) indicates that this missense variant is not expected to disrupt EYS protein function with a negative predictive value of 80%. Algorithms developed to predict the effect of sequence changes on RNA splicing suggest that this variant may create or strengthen a splice site. In summary, the available evidence is currently insufficient to determine the role of this variant in disease. Therefore, it has been classified as a Variant of Uncertain Significance.